The following is an entry in ClinVar:

NM_000268.4(NF2):c.810+6A>G

Gene: NF2 (NF2, moesin-ezrin-radixin like (MERLIN) tumor suppressor; plus strand). Cytogenetic location: 22q12.2.
Variant type: single nucleotide variant.
Coding change: c.810+6A>G on transcript NM_000268.4 (MANE Select); 6 bases into the intron after coding-DNA position 810, A replaced by G.
Molecular consequence: intron variant.
Genome position (GRCh38, 1-based): chr22:29,661,345, A>G. VCF-style: chr22-29661345-A-G. GRCh37 (hg19) VCF-style: chr22-30057334-A-G.
Other names: c.810+6A>G (NM_016418.5, NM_181832.3, NM_181825.3); c.447+19060A>G (NM_181833.3); c.687+6A>G (NM_181829.3); c.684+6A>G (NM_181828.3); c.561+6A>G (NM_181830.3, NM_181831.3).
Identifiers: ClinVar variation 954417 (VCV000954417.10), dbSNP rs758285145, ClinGen allele CA035228.

ClinVar aggregate classification (germline): Uncertain significance (1 of 4 stars; one submission).

Conditions:
Neurofibromatosis, type 2 (SWNV). Also called: BILATERAL ACOUSTIC NEUROFIBROMATOSIS; SCHWANNOMATOSIS, VESTIBULAR; NF2-Related Schwannomatosis. Identifiers: Orphanet 637, MedGen C0027832, MONDO:0007039, OMIM 101000. Disease mechanism: loss of function.

Allele frequency attached by ClinVar (database versions not stated): gnomAD exomes below 0.00001; ExAC 0.00001.

Submission:

Labcorp Genetics (formerly Invitae), Labcorp
Classification: Uncertain significance for Neurofibromatosis, type 2. Last evaluated: 2025-11-27. Review status: criteria provided, single submitter. Criteria: Invitae Variant Classification Sherloc (09022015). Collection method: clinical testing. Allele origin: germline.
Comment: This sequence change falls in intron 8 of the NF2 gene. It does not directly change the encoded amino acid sequence of the NF2 protein. It affects a nucleotide within the consensus splice site. This variant is present in population databases (rs758285145, gnomAD 0.0009%). This variant has not been reported in the literature in individuals affected with NF2-related conditions. ClinVar contains an entry for this variant (Variation ID: 954417). Variants that disrupt the consensus splice site are a relatively common cause of aberrant splicing (PMID: 17576681, 9536098). Algorithms developed to predict the effect of sequence changes on RNA splicing suggest that this variant is not likely to affect RNA splicing. In summary, the available evidence is currently insufficient to determine the role of this variant in disease. Therefore, it has been classified as a Variant of Uncertain Significance.

Literature cited by the submitters: PubMed 17576681; PubMed 9536098.